The following is an entry in ClinVar:

NM_001018115.3(FANCD2):c.273+2T>C

Genes: FANCD2 (FA complementation group D2; plus strand), LOC107303338 (3p25 FANCD2 Alu-mediated recombination region; plus strand). Cytogenetic location: 3p25.3.
Variant type: single nucleotide variant.
Coding change: c.273+2T>C on transcript NM_001018115.3 (MANE Select); the canonical splice donor site of the intron after coding-DNA position 273, T replaced by C.
Molecular consequence: splice donor variant.
Genome position (GRCh38, 1-based): chr3:10,034,538, T>C. VCF-style: chr3-10034538-T-C. GRCh37 (hg19) VCF-style: chr3-10076222-T-C.
Other names: c.273+2T>C (NM_001319984.2, NM_001374253.1, NM_033084.6 and 2 more transcripts).
Identifiers: ClinVar variation 4779898 (VCV004779898.1).

ClinVar aggregate classification (germline): Likely pathogenic (1 of 4 stars; one submission).

Conditions:
Fanconi anemia (FA). Also called: Fanconi's anemia. Identifiers: Orphanet 84, MedGen C0015625, MeSH D005199, MONDO:0019391.

Submission:

Labcorp Genetics (formerly Invitae), Labcorp
Classification: Likely pathogenic for Fanconi anemia. Last evaluated: 2025-08-05. Review status: criteria provided, single submitter. Criteria: Invitae Variant Classification Sherloc (09022015). Collection method: clinical testing. Allele origin: germline.
Comment: This sequence change affects a donor splice site in intron 4 of the FANCD2 gene. It is expected to disrupt RNA splicing. Variants that disrupt the donor or acceptor splice site typically lead to a loss of protein function (PMID: 16199547), and loss-of-function variants in FANCD2 are known to be pathogenic (PMID: 17436244). This variant is present in population databases (no rsID available, gnomAD 0.006%). This variant has not been reported in the literature in individuals affected with FANCD2-related conditions. Algorithms developed to predict the effect of sequence changes on RNA splicing suggest that this variant may disrupt the consensus splice site. In summary, the currently available evidence indicates that the variant is pathogenic, but additional data are needed to prove that conclusively. Therefore, this variant has been classified as Likely Pathogenic.

Literature cited by the submitters: PubMed 16199547; PubMed 17436244.